The following is an entry in ClinVar:

NM_000179.3(MSH6):c.2668G>A (p.Val890Ile)

Gene: MSH6 (mutS homolog 6; plus strand). Cytogenetic location: 2p16.3.
Variant type: single nucleotide variant.
Coding change: c.2668G>A on transcript NM_000179.3 (MANE Select); coding-DNA position 2668, G replaced by A.
Protein change: p.Val890Ile; replaces valine 890 with isoleucine.
Molecular consequence: missense variant.
Genome position (GRCh38, 1-based): chr2:47,800,651, G>A. VCF-style: chr2-47800651-G-A. GRCh37 (hg19) VCF-style: chr2-48027790-G-A.
Other names: c.2278G>A, p.Val760Ile (NM_001281492.2); c.1762G>A, p.Val588Ile (NM_001281493.2, NM_001281494.2); short protein forms V890I, V588I, V760I.
Identifiers: ClinVar variation 662458 (VCV000662458.13), dbSNP rs786202628, ClinGen allele CA346755234.

ClinVar aggregate classification (germline): Conflicting classifications of pathogenicity. Review status: criteria provided, conflicting classifications (1 of 4 stars). 3 submissions from 3 submitters: Uncertain significance (1); Likely benign (2). Last evaluated 2025-02-26.

Conditions:
Hereditary cancer-predisposing syndrome. Also called: Neoplastic Syndromes, Hereditary; Tumor predisposition; Hereditary neoplastic syndrome; Hereditary Cancer Syndrome. Identifiers: Orphanet 140162, MedGen C0027672, MeSH D009386, MONDO:0015356.
Hereditary nonpolyposis colorectal neoplasms. Identifiers: MedGen C0009405, MeSH D003123.

Allele frequency attached by ClinVar (database versions not stated): TOPMed 0.00001.

Submissions (3):

Labcorp Genetics (formerly Invitae), Labcorp
Classification: Likely benign for Hereditary nonpolyposis colorectal neoplasms. Last evaluated: 2025-02-26. Review status: criteria provided, single submitter. Criteria: Invitae Variant Classification Sherloc (09022015). Collection method: clinical testing. Allele origin: germline.

Color Diagnostics, LLC DBA Color Health
Classification: Likely benign for Hereditary cancer-predisposing syndrome. Last evaluated: 2024-10-02. Review status: criteria provided, single submitter. Criteria: ACMG Guidelines, 2015. Collection method: clinical testing. Allele origin: germline.

Ambry Genetics
Classification: Uncertain significance for Hereditary cancer-predisposing syndrome. Last evaluated: 2022-12-12. Review status: criteria provided, single submitter. Criteria: Ambry Variant Classification Scheme 2023. Collection method: clinical testing. Allele origin: germline.
Comment: The p.V890I variant (also known as c.2668G>A), located in coding exon 4 of the MSH6 gene, results from a G to A substitution at nucleotide position 2668. The valine at codon 890 is replaced by isoleucine, an amino acid with highly similar properties. This amino acid position is conserved. In addition, this alteration is predicted to be tolerated by in silico analysis. Since supporting evidence is limited at this time, the clinical significance of this alteration remains unclear.